The following is an entry in ClinVar:

NM_020223.4(FAM20C):c.1021C>T (p.Arg341Trp)

Gene: FAM20C (FAM20C golgi associated secretory pathway kinase; plus strand). Cytogenetic location: 7p22.3.
Variant type: single nucleotide variant.
Coding change: c.1021C>T on transcript NM_020223.4 (MANE Select); coding-DNA position 1021, C replaced by T.
Protein change: p.Arg341Trp; replaces arginine 341 with tryptophan.
Molecular consequence: missense variant.
Genome position (GRCh38, 1-based): chr7:248,379, C>T. VCF-style: chr7-248379-C-T. GRCh37 (hg19) VCF-style: chr7-288345-C-T.
Other names: short protein forms R341W.
Identifiers: ClinVar variation 952956 (VCV000952956.7), dbSNP rs765745848, ClinGen allele CA4109110.
Genomic context (GRCh38, chr7:248,379, plus strand): 5'-CTGGACTTCCGCCGGGTCCCTCCCGTGGCCGGCAGGATGGTCAACATGACCAAGGAGATC[C>T]GGGACGTCACACGGGACAAGAAGCTCTGGAGGACCTTCTTCATCTCTCCAGGTAGCCTGG-3'
Protein context (NP_064608.2, residues 331-351): GRMVNMTKEI[Arg341Trp]DVTRDKKLWR

ClinVar aggregate classification (germline): Uncertain significance (1 of 4 stars; one submission).

Allele frequency attached by ClinVar (database versions not stated): gnomAD 0.00002 and 0.00003; gnomAD exomes 0.00002 and 0.00007; TOPMed 0.00005; ExAC 0.00006.
gnomAD v4.1: 25 of 1,537,074 alleles (0.0016%); highest among the groups gnomAD compares: Middle Eastern, 0.05%; no homozygotes.

Submission:

Labcorp Genetics (formerly Invitae), Labcorp
Classification: Uncertain significance. Last evaluated: 2022-11-22. Review status: criteria provided, single submitter. Criteria: Invitae Variant Classification Sherloc (09022015). Collection method: clinical testing. Allele origin: germline.
Comment: In summary, the available evidence is currently insufficient to determine the role of this variant in disease. Therefore, it has been classified as a Variant of Uncertain Significance. Advanced modeling of protein sequence and biophysical properties (such as structural, functional, and spatial information, amino acid conservation, physicochemical variation, residue mobility, and thermodynamic stability) performed at Invitae indicates that this missense variant is not expected to disrupt FAM20C protein function. ClinVar contains an entry for this variant (Variation ID: 952956). This variant has not been reported in the literature in individuals affected with FAM20C-related conditions. This variant is present in population databases (rs765745848, gnomAD 0.02%). This sequence change replaces arginine, which is basic and polar, with tryptophan, which is neutral and slightly polar, at codon 341 of the FAM20C protein (p.Arg341Trp).